The following is an entry in ClinVar:

NM_000214.3(JAG1):c.866G>T (p.Gly289Val)

Gene: JAG1 (jagged canonical Notch ligand 1; minus strand). Cytogenetic location: 20p12.2.
Variant type: single nucleotide variant.
Coding change: c.866G>T on transcript NM_000214.3 (MANE Select); coding-DNA position 866, G replaced by T.
Protein change: p.Gly289Val; replaces glycine 289 with valine.
Molecular consequence: missense variant.
Genome position (GRCh38, 1-based): chr20:10,652,488, C>A on the plus strand (G>T on the coding strand, the complement: JAG1 is on the minus strand). VCF-style: chr20-10652488-C-A. GRCh37 (hg19) VCF-style: chr20-10633136-C-A.
Other names: short protein forms G289V.
Identifiers: ClinVar variation 1362306 (VCV001362306.8), dbSNP rs2122615016, ClinGen allele CA408239234.

ClinVar aggregate classification (germline): Uncertain significance (1 of 4 stars; one submission).

Conditions:
Alagille syndrome due to a JAG1 point mutation. Also called: Alagille Syndrome 1; HEPATIC DUCTULAR HYPOPLASIA, SYNDROMATIC; JAG1-Related Alagille Syndrome. Identifiers: Orphanet 261619, Orphanet 52, MedGen C1956125, MONDO:0016862, OMIM 118450.

Submission:

Labcorp Genetics (formerly Invitae), Labcorp
Classification: Uncertain significance for Alagille syndrome due to a JAG1 point mutation. Last evaluated: 2022-06-20. Review status: criteria provided, single submitter. Criteria: Invitae Variant Classification Sherloc (09022015). Collection method: clinical testing. Allele origin: germline.
Comment: Advanced modeling of protein sequence and biophysical properties (such as structural, functional, and spatial information, amino acid conservation, physicochemical variation, residue mobility, and thermodynamic stability) performed at Invitae indicates that this missense variant is expected to disrupt JAG1 protein function. In summary, the available evidence is currently insufficient to determine the role of this variant in disease. Therefore, it has been classified as a Variant of Uncertain Significance. This sequence change replaces glycine, which is neutral and non-polar, with valine, which is neutral and non-polar, at codon 289 of the JAG1 protein (p.Gly289Val). This variant is not present in population databases (gnomAD no frequency). This variant has not been reported in the literature in individuals affected with JAG1-related conditions.